The following is an entry in ClinVar:

NM_001370298.3(FGD4):c.2626G>A (p.Val876Ile)

Gene: FGD4 (FYVE, RhoGEF and PH domain containing 4; plus strand). Cytogenetic location: 12p11.21.
Variant type: single nucleotide variant.
Coding change: c.2626G>A on transcript NM_001370298.3 (MANE Select); coding-DNA position 2626, G replaced by A.
Protein change: p.Val876Ile; replaces valine 876 with isoleucine.
Molecular consequence: missense variant.
Genome position (GRCh38, 1-based): chr12:32,640,447, G>A. VCF-style: chr12-32640447-G-A. GRCh37 (hg19) VCF-style: chr12-32793381-G-A.
Other names: c.2470G>A, p.Val824Ile (NM_001304481.2); c.1183G>A, p.Val395Ile (NM_001304484.2); c.1936G>A, p.Val646Ile (NM_001330373.2, NM_001330374.2, NM_001384130.1); c.1663G>A, p.Val555Ile (NM_001370297.1); c.2626G>A, p.Val876Ile (NM_001384126.1); c.2215G>A, p.Val739Ile (NM_001384127.1, NM_001384128.1, NM_001385118.1 and 1 more transcripts); short protein forms V395I, V555I, V646I, V739I, V824I, V876I.
Identifiers: ClinVar variation 1429716 (VCV001429716.6), dbSNP rs1411372303, ClinGen allele CA384372685.

ClinVar aggregate classification (germline): Uncertain significance (1 of 4 stars; one submission).

Conditions:
Charcot-Marie-Tooth disease type 4. Also called: Charcot-Marie-Tooth disease, type IV; Charcot-Marie-Tooth, Type 4. Identifiers: Orphanet 64749, MedGen C4082197, MONDO:0018995.

Allele frequency attached by ClinVar (database versions not stated): TOPMed below 0.00001.
gnomAD v4.1: 2 of 1,614,168 alleles (0.00012%); highest among the groups gnomAD compares: Non-Finnish European, 0.00017%; no homozygotes.

Submission:

Labcorp Genetics (formerly Invitae), Labcorp
Classification: Uncertain significance for Charcot-Marie-Tooth disease type 4. Last evaluated: 2021-12-03. Review status: criteria provided, single submitter. Criteria: Invitae Variant Classification Sherloc (09022015). Collection method: clinical testing. Allele origin: germline.
Comment: This sequence change replaces valine, which is neutral and non-polar, with isoleucine, which is neutral and non-polar, at codon 739 of the FGD4 protein (p.Val739Ile). This variant is not present in population databases (gnomAD no frequency). This variant has not been reported in the literature in individuals affected with FGD4-related conditions. Algorithms developed to predict the effect of missense changes on protein structure and function (SIFT, PolyPhen-2, Align-GVGD) all suggest that this variant is likely to be disruptive. In summary, the available evidence is currently insufficient to determine the role of this variant in disease. Therefore, it has been classified as a Variant of Uncertain Significance.